The following is an entry in ClinVar:

NM_018979.4(WNK1):c.6376C>T (p.Arg2126Ter)

Gene: WNK1 (WNK lysine deficient protein kinase 1; plus strand). Cytogenetic location: 12p13.33.
Variant type: single nucleotide variant.
Coding change: c.6376C>T on transcript NM_018979.4 (MANE Select); coding-DNA position 6376, C replaced by T.
Protein change: p.Arg2126Ter; replaces arginine 2126 with a stop codon.
Molecular consequence: nonsense.
Genome position (GRCh38, 1-based): chr12:897,609, C>T. VCF-style: chr12-897609-C-T. GRCh37 (hg19) VCF-style: chr12-1006775-C-T.
Other names: c.7156C>T, p.Arg2386Ter (NM_001184985.2); c.5632C>T, p.Arg1878Ter (NM_014823.3); c.7132C>T, p.Arg2378Ter (NM_213655.5); short protein forms R1878*, R2126*, R2378*, R2386*.
Identifiers: ClinVar variation 3752782 (VCV003752782.2).

ClinVar aggregate classification (germline): Pathogenic (1 of 4 stars; one submission).

Conditions:
Neuropathy, hereditary sensory and autonomic, type 2A (HSAN2A). Also called: ACROOSTEOLYSIS, GIACCAI TYPE; ACROOSTEOLYSIS, NEUROGENIC; MORVAN DISEASE; NEUROPATHY, CONGENITAL SENSORY; NEUROPATHY, HEREDITARY SENSORY RADICULAR, AUTOSOMAL RECESSIVE; NEUROPATHY, HEREDITARY SENSORY, TYPE IIA. Identifiers: Orphanet 970, MedGen C2752089, MONDO:0024309, OMIM 201300.
Pseudohypoaldosteronism type 2C (PHA2C). Also called: Pseudohypoaldosteronism Type IIC. Identifiers: Orphanet 757, Orphanet 88940, MedGen C1840391, MONDO:0013778, OMIM 614492.

gnomAD v4.1: 2 of 1,614,042 alleles (0.00012%); highest among the groups gnomAD compares: Non-Finnish European, 0.00017%; no homozygotes.

Submission:

Labcorp Genetics (formerly Invitae), Labcorp
Classification: Pathogenic for Neuropathy, hereditary sensory and autonomic, type 2A; Pseudohypoaldosteronism type 2C. Last evaluated: 2025-01-08. Review status: criteria provided, single submitter. Criteria: Invitae Variant Classification Sherloc (09022015). Collection method: clinical testing. Allele origin: germline.
Comment: This sequence change creates a premature translational stop signal (p.Arg2378*) in the WNK1 gene. It is expected to result in an absent or disrupted protein product. Loss-of-function variants in WNK1 are known to be pathogenic (PMID: 22910560). This variant is not present in population databases (gnomAD no frequency). This variant has not been reported in the literature in individuals affected with WNK1-related conditions. For these reasons, this variant has been classified as Pathogenic.

Literature cited by the submitters: PubMed 22910560.